The following is an entry in ClinVar:

ClinVar aggregate classification (germline): Uncertain significance (1 of 4 stars; one submission).

Conditions:
Polyglucosan body myopathy type 1 (PGBM1). Also called: Polyglucosan body myopathy 1 with or without immunodeficiency; POLYGLUCOSAN BODY MYOPATHY WITHOUT IMMUNODEFICIENCY. Identifiers: Orphanet 329173, Orphanet 397937, MedGen C4014605, MONDO:0014389, OMIM 615895.

Allele frequency attached by ClinVar (database versions not stated): gnomAD 0.00001; TOPMed 0.00001.
gnomAD v4.1: 4 of 1,604,956 alleles (0.00025%); highest among the groups gnomAD compares: Non-Finnish European, 0.00034%; no homozygotes.

Submission:

Labcorp Genetics (formerly Invitae), Labcorp
Classification: Uncertain significance for Polyglucosan body myopathy type 1. Last evaluated: 2022-08-05. Review status: criteria provided, single submitter. Criteria: Invitae Variant Classification Sherloc (09022015). Collection method: clinical testing. Allele origin: germline.
Comment: This variant has not been reported in the literature in individuals affected with RBCK1-related conditions. This variant is not present in population databases (gnomAD no frequency). Algorithms developed to predict the effect of missense changes on protein structure and function are either unavailable or do not agree on the potential impact of this missense change (SIFT: "Not Available"; PolyPhen-2: "Possibly Damaging"; Align-GVGD: "Not Available"). In summary, the available evidence is currently insufficient to determine the role of this variant in disease. Therefore, it has been classified as a Variant of Uncertain Significance. This sequence change replaces glycine, which is neutral and non-polar, with tryptophan, which is neutral and slightly polar, at codon 201 of the RBCK1 protein (p.Gly201Trp).

NM_031229.4(RBCK1):c.601G>T (p.Gly201Trp)

Gene: RBCK1 (RANBP2-type and C3HC4-type zinc finger containing 1; plus strand). Cytogenetic location: 20p13.
Variant type: single nucleotide variant.
Coding change: c.601G>T on transcript NM_031229.4 (MANE Select); coding-DNA position 601, G replaced by T.
Protein change: p.Gly201Trp; replaces glycine 201 with tryptophan.
Molecular consequence: missense variant. On other transcripts: synonymous variant (2), non-coding transcript variant (1).
Genome position (GRCh38, 1-based): chr20:419,576, G>T. VCF-style: chr20-419576-G-T. GRCh37 (hg19) VCF-style: chr20-400220-G-T.
Other names: c.252G>T, p.Pro84= (NM_001323956.2, NM_001323958.2); c.652G>T, p.Gly218Trp (NM_001410770.1); c.475G>T, p.Gly159Trp (NM_006462.6); short protein forms G159W, G201W, G218W.
Identifiers: ClinVar variation 1943928 (VCV001943928.5), dbSNP rs979362975, ClinGen allele CA310620020.
Genomic context (GRCh38, chr20:419,576, plus strand): 5'-CTCACCCTGCCCAGTCGGGCTCACAGCACCCTCTGCTCCCAGGTGGGCTGGCAGTGCCCC[G>T]GGTGCACCTTCATCAACAAGCCCACGCGGCCTGGCTGTGAGATGTGCTGCCGGGCGCGCC-3'
Protein context (NP_112506.2, residues 191-211): EPPPVGWQCP[Gly201Trp]CTFINKPTRP